The following is an entry in ClinVar:

NM_004817.4(TJP2):c.3190G>T (p.Val1064Leu)

Gene: TJP2 (tight junction protein 2; plus strand). Cytogenetic location: 9q21.11.
Variant type: single nucleotide variant.
Coding change: c.3190G>T on transcript NM_004817.4 (MANE Select); coding-DNA position 3190, G replaced by T.
Protein change: p.Val1064Leu; replaces valine 1064 with leucine.
Molecular consequence: missense variant. On other transcripts: intron variant (3).
Genome position (GRCh38, 1-based): chr9:69,251,233, G>T. VCF-style: chr9-69251233-G-T. GRCh37 (hg19) VCF-style: chr9-71866149-G-T.
Other names: c.3091G>T, p.Val1031Leu (NM_001170415.1); c.3283G>T, p.Val1095Leu (NM_001170416.2); c.3115G>T, p.Val1039Leu (NM_001369870.1); c.3121G>T, p.Val1041Leu (NM_001369871.1); c.3079G>T, p.Val1027Leu (NM_001369872.1); c.2866G>T, p.Val956Leu (NM_001369873.1); c.3202G>T, p.Val1068Leu (NM_001369875.1); c.2812-1582G>T (NM_001170414.2); and 2 more; short protein forms V1064L, V1027L, V1031L, V1068L, V1041L, V1095L, V956L, V1039L.
Identifiers: ClinVar variation 228010 (VCV000228010.18), dbSNP rs199892018, ClinGen allele CA5073901.

ClinVar aggregate classification (germline): Benign/Likely benign. Review status: criteria provided, multiple submitters, no conflicts (2 of 4 stars). 4 submissions from 4 submitters: Benign (1); Likely benign (3). Last evaluated 2025-05-09.

Allele frequency attached by ClinVar (database versions not stated): ESP Exome Variant Server 0.00023; gnomAD 0.00023 and 0.00024; gnomAD exomes 0.00024 and 0.00044; TOPMed 0.00024; ExAC 0.00036.
gnomAD v4.1: 400 of 1,614,064 alleles (0.025%); highest among the groups gnomAD compares: Admixed American, 0.02%; no homozygotes.

Submissions (4):

Labcorp Genetics (formerly Invitae), Labcorp
Classification: Benign. Last evaluated: 2025-05-09. Review status: criteria provided, single submitter. Criteria: Invitae Variant Classification Sherloc (09022015). Collection method: clinical testing. Allele origin: germline.

GeneDx
Classification: Likely benign. Last evaluated: 2021-06-03. Review status: criteria provided, single submitter. Criteria: GeneDx Variant Classification Process June 2021. Collection method: clinical testing. Allele origin: germline. Affected: yes.

Eurofins Ntd Llc (ga)
Classification: Likely benign. Last evaluated: 2017-11-28. Review status: criteria provided, single submitter. Criteria: EGL Classification Definitions 2015. Collection method: clinical testing. Allele origin: germline. Observed: 2 variant alleles, 2 heterozygotes.

Laboratory for Molecular Medicine, Mass General Brigham Personalized Medicine
Classification: Likely benign. Last evaluated: 2015-01-29. Review status: criteria provided, single submitter. Criteria: LMM Criteria. Collection method: clinical testing. Allele origin: germline. Observed: 1 variant allele.
Comment: p.Val1064Leu in Exon 21 of TJP2: This variant is not expected to have clinical s ignificance due to a lack of conservation across species, including mammals. Of note, mole rat and rabbit as well as many other non-mammalian species have a leu cine (Leu) at this position despite high nearby amino acid conservation. In addi tion, this variant has been identified in 41/67664 European chromosomes by the E xome Aggregation Consortium (ExAC; dbSNP rs19989 2018).